The following is an entry in ClinVar:

ClinVar aggregate classification (germline): Uncertain significance. Review status: criteria provided, multiple submitters, no conflicts (2 of 4 stars). 2 submissions from 2 submitters: Uncertain significance (2). Last evaluated 2025-12-29.

Conditions:
Inborn genetic diseases. Identifiers: MedGen C0950123, MeSH D030342.

gnomAD v4.1: 3 of 1,613,254 alleles (0.00019%); highest among the groups gnomAD compares: African/African-American, 0.0013%; no homozygotes.

Submissions (2):

Ambry Genetics
Classification: Uncertain significance for Inborn genetic diseases. Last evaluated: 2025-12-29. Review status: criteria provided, single submitter. Criteria: Ambry Variant Classification Scheme 2023. Collection method: clinical testing. Allele origin: germline.

Labcorp Genetics (formerly Invitae), Labcorp
Classification: Uncertain significance. Last evaluated: 2025-08-10. Review status: criteria provided, single submitter. Criteria: Invitae Variant Classification Sherloc (09022015). Collection method: clinical testing. Allele origin: germline.
Comment: This sequence change replaces arginine, which is basic and polar, with tryptophan, which is neutral and slightly polar, at codon 402 of the KIF2A protein (p.Arg402Trp). This variant is not present in population databases (gnomAD no frequency). This variant has not been reported in the literature in individuals affected with KIF2A-related conditions. An algorithm developed to predict the effect of missense changes on protein structure and function (PolyPhen-2) suggests that this variant is likely to be disruptive. In summary, the available evidence is currently insufficient to determine the role of this variant in disease. Therefore, it has been classified as a Variant of Uncertain Significance.

NM_001098511.3(KIF2A):c.1204C>T (p.Arg402Trp)

Gene: KIF2A (kinesin family member 2A; plus strand). Cytogenetic location: 5q12.1.
Variant type: single nucleotide variant.
Coding change: c.1204C>T on transcript NM_001098511.3 (MANE Select); coding-DNA position 1204, C replaced by T.
Protein change: p.Arg402Trp; replaces arginine 402 with tryptophan.
Molecular consequence: missense variant.
Genome position (GRCh38, 1-based): chr5:62,363,262, C>T. VCF-style: chr5-62363262-C-T. GRCh37 (hg19) VCF-style: chr5-61659089-C-T.
Other names: c.1204C>T (NM_001098511.2); c.1123C>T, p.Arg375Trp (NM_001243952.2); c.1147C>T, p.Arg383Trp (NM_001243953.2); c.1204C>T, p.Arg402Trp (NM_004520.5); short protein forms R375W, R383W, R402W.
Identifiers: ClinVar variation 4690573 (VCV004690573.2).
Genomic context (GRCh38, chr5:62,363,262, plus strand): 5'-ACAAAATTAAGAGTTCTAGAAGATGGAAAACAGCAGGTTCAAGTGGTGGGATTACAGGAA[C>T]GGGAGGTCAAATGTGTTGAAGATGTACTGAAACTCATTGACATAGGCAACAGTTGCAGGT-3'
Protein context (NP_001091981.1, residues 392-412): QQVQVVGLQE[Arg402Trp]EVKCVEDVLK